The following is an entry in ClinVar:

ClinVar aggregate classification (germline): Likely benign (0 of 4 stars; one submission).

Conditions:
PIK3R2-related disorder. Also called: PIK3R2-related condition.

Allele frequency attached by ClinVar (database versions not stated): gnomAD 0.00002.
gnomAD v4.1: 4 of 1,225,198 alleles (0.00033%); highest among the groups gnomAD compares: African/African-American, 0.0064%; no homozygotes.

Submission:

PreventionGenetics, part of Exact Sciences
Classification: Likely benign for PIK3R2-related condition. Last evaluated: 2023-11-08. Review status: no assertion criteria provided. Collection method: clinical testing. Allele origin: germline.
Comment: This variant is classified as likely benign based on ACMG/AMP sequence variant interpretation guidelines (Richards et al. 2015 PMID: 25741868, with internal and published modifications).

NM_005027.4(PIK3R2):c.711G>A (p.Pro237=)

Genes: PIK3R2 (phosphoinositide-3-kinase regulatory subunit 2; plus strand), LOC130063979 (ATAC-STARR-seq lymphoblastoid silent region 10375; plus strand). Cytogenetic location: 19p13.11.
Variant type: single nucleotide variant.
Coding change: c.711G>A on transcript NM_005027.4 (MANE Select); coding-DNA position 711, G replaced by A.
Protein change: p.Pro237=; no amino-acid change (proline 237 retained).
Molecular consequence: synonymous variant. On other transcripts: non-coding transcript variant (1).
Genome position (GRCh38, 1-based): chr19:18,161,391, G>A. VCF-style: chr19-18161391-G-A. GRCh37 (hg19) VCF-style: chr19-18272201-G-A.
Identifiers: ClinVar variation 3031261 (VCV003031261.2), dbSNP rs1038312942, ClinGen allele CA306170215.
Genomic context (GRCh38, chr19:18,161,391, plus strand): 5'-CCGCGCGCTCACGCTGCGCTTCCTGCTCCAGCACCTGGGCCGCGTGGCCAGCCGCGCCCC[G>A]GCCCTGGGTCCCGCGGTCCGGGCCCTGGGCGCCACCTTTGGGCCGCTGCTGCTGCGCGCG-3'
Protein context (NP_005018.2, residues 227-247): QHLGRVASRA[Pro237=]ALGPAVRALG